The following is an entry in ClinVar:

ClinVar aggregate classification (germline): Pathogenic. Review status: reviewed by expert panel (3 of 4 stars). 10 submissions from 10 submitters: Pathogenic (1). 9 of the submissions do not count toward it. Last evaluated 2016-09-08.

Conditions:
Hereditary cancer-predisposing syndrome. Also called: Hereditary Cancer Syndrome; Neoplastic Syndromes, Hereditary; Hereditary neoplastic syndrome; Tumor predisposition. Identifiers: Orphanet 140162, MedGen C0027672, MeSH D009386, MONDO:0015356.
Hereditary breast ovarian cancer syndrome. Also called: Breast and ovarian cancer; Hereditary breast and/or ovarian cancer syndrome; Hereditary breast and ovarian cancer; Hereditary breast and ovarian cancer syndrome; Hereditary breast and ovarian cancer syndrome (HBOC); BRCA1- and BRCA2-Associated Hereditary Breast and Ovarian Cancer. Identifiers: Orphanet 145, MedGen C0677776, MeSH D061325, MONDO:0003582. Disease mechanism: loss of function.
Breast-ovarian cancer, familial, susceptibility to, 2 (BROVCA2). Also called: BRCA2 Hereditary Breast and Ovarian Cancer. Identifiers: Orphanet 145, MedGen C2675520, MONDO:0012933, OMIM 612555. Disease mechanism: loss of function.
Familial cancer of breast. Also called: Hereditary breast cancer; BREAST CANCER, FAMILIAL; hereditary breast carcinoma. Identifiers: Orphanet 227535, MedGen C0346153, MONDO:0016419, OMIM 114480. Disease mechanism: loss of function.

Submissions (10):

Evidence-based Network for the Interpretation of Germline Mutant Alleles (ENIGMA)
Classification: Pathogenic for Breast-ovarian cancer, familial, susceptibility to, 2. Last evaluated: 2016-09-08. Review status: reviewed by expert panel. Criteria: ENIGMA BRCA1/2 Classification Criteria (2015). Collection method: curation. Allele origin: germline.
Comment: Variant allele predicted to encode a truncated non-functional protein.

Labcorp Genetics (formerly Invitae), Labcorp
Classification: Pathogenic for Hereditary breast ovarian cancer syndrome. Last evaluated: 2025-12-16. Review status: criteria provided, single submitter. Criteria: Invitae Variant Classification Sherloc (09022015). Collection method: clinical testing. Allele origin: germline. Not counted in ClinVar's aggregate classification.
Comment: This sequence change creates a premature translational stop signal (p.Glu1646Asnfs*19) in the BRCA2 gene. It is expected to result in an absent or disrupted protein product. Loss-of-function variants in BRCA2 are known to be pathogenic (PMID: 20104584). This variant is not present in population databases (gnomAD no frequency). This premature translational stop signal has been observed in individual(s) with clinical features of BRCA2-related conditions (PMID: 21520333). ClinVar contains an entry for this variant (Variation ID: 96811). For these reasons, this variant has been classified as Pathogenic.

GeneKor MSA
Classification: Pathogenic for Hereditary breast ovarian cancer syndrome. Last evaluated: 2025-05-15. Review status: criteria provided, single submitter. Criteria: ACMG Guidelines, 2015. Collection method: clinical testing. Allele origin: germline. Affected: yes. Not counted in ClinVar's aggregate classification.
Comment: This variant is a deletion of 2 nucleotides in exon 11 of the BRCA2 mRNA c.(4936_4937del), causing a frameshift after codon 1646 and the creation of a premature translation stop signal 19 amino acid residues later p.(Glu1646Asnfs*19). This is expected to result in an absent or disrupted protein product. Truncating variants in the BRCA2 gene are known to be pathogenic (PMID:20104584). This variant is not present in population databases (rs431825323), therefore it has been observed in individuals with clinical features of BRCA2-related conditions (PMID:21520333). ClinVar contains entries for this variant where is listed as pathogenic (VCV000096811.20). Based on the classification criteria set by the ACMG and AMP (PMID:25741868), this variant has been classified as pathogenic.

Ambry Genetics
Classification: Pathogenic for Hereditary cancer-predisposing syndrome. Last evaluated: 2025-03-06. Review status: criteria provided, single submitter. Criteria: Ambry Variant Classification Scheme 2023. Collection method: clinical testing. Allele origin: germline. Not counted in ClinVar's aggregate classification.
Comment: The c.4936_4937delGA pathogenic mutation, located in coding exon 10 of the BRCA2 gene, results from a deletion of two nucleotides at nucleotide positions 4936 to 4937, causing a translational frameshift with a predicted alternate stop codon (p.E1646Nfs*19). This variant is considered to be rare based on population cohorts in the Genome Aggregation Database (gnomAD). This alteration is expected to result in loss of function by premature protein truncation or nonsense-mediated mRNA decay. As such, this alteration is interpreted as a disease-causing mutation.

Quest Diagnostics Nichols Institute San Juan Capistrano
Classification: Likely pathogenic. Last evaluated: 2024-11-12. Review status: criteria provided, single submitter. Criteria: Quest Diagnostics criteria. Collection method: clinical testing. Allele origin: unknown. Not counted in ClinVar's aggregate classification.
Comment: The BRCA2 c.4936_4937del (p.Glu1646Asnfs*19) variant alters the translational reading frame of the BRCA2 mRNA and is predicted to cause the premature termination of BRCA2 protein synthesis. In the published literature, this variant has been reported in an individual with lung cancer (PMID: 33563323 (2021)). This variant has not been reported in large, multi-ethnic general populations (Genome Aggregation Database). Based on the available information, this variant is classified as likely pathogenic.

Baylor Genetics
Classification: Likely pathogenic for Familial cancer of breast. Last evaluated: 2023-03-29. Review status: criteria provided, single submitter. Criteria: ACMG Guidelines, 2015. Collection method: clinical testing. Allele origin: unknown. Not counted in ClinVar's aggregate classification.

ARUP Laboratories, Molecular Genetics and Genomics, ARUP Laboratories
Classification: Pathogenic. Last evaluated: 2023-03-01. Review status: criteria provided, single submitter. Criteria: ARUP Molecular Germline Variant Investigation Process 2024. Collection method: clinical testing. Allele origin: germline. Not counted in ClinVar's aggregate classification.
Comment: The BRCA2 c.4936_4937del; p.Glu1646AsnfsTer19 variant (rs431825323), to our knowledge, is not reported in the medical literature but is reported as pathogenic in ClinVar (Variation ID: 96811). This variant is absent from general population databases (Exome Variant Server, Genome Aggregation Database), indicating it is not a common polymorphism. This variant causes a frameshift by deleting two nucleotides, so it is predicted to result in a truncated protein or mRNA subject to nonsense-mediated decay. Other truncating variants at the same position or downstream are reported in patients with breast and/or ovarian cancer and are considered pathogenic (Infante 2006). Based on available information, the c.4936_4937del variant is considered to be pathogenic. References: Infante M et al. High proportion of novel mutations of BRCA1 and BRCA2 in breast/ovarian cancer patients from Castilla-León (central Spain). J Hum Genet. 2006;51(7):611-7. PMID: 16758124.

Revvity Omics, Revvity
Classification: Likely pathogenic. Last evaluated: 2023-01-10. Review status: criteria provided, single submitter. Criteria: ACMG Guidelines, 2015. Collection method: clinical testing. Allele origin: germline. Not counted in ClinVar's aggregate classification.

Women's Health and Genetics/Laboratory Corporation of America, LabCorp
Classification: Pathogenic for Hereditary breast ovarian cancer syndrome. Last evaluated: 2017-06-20. Review status: criteria provided, single submitter. Criteria: LabCorp Variant Classification Summary - May 2015. Collection method: clinical testing. Allele origin: germline. Not counted in ClinVar's aggregate classification.
Comment: Variant summary: The BRCA2 c.4936_4937delGA (p.Glu1646Asnfs) variant results in a premature termination codon, predicted to cause a truncated or absent BRCA2 protein due to nonsense mediated decay, which are commonly known mechanisms for disease. Truncations downstream of this position have been classified as pathogenic by our laboratory (e.g. c.4965C>G, p.Tyr1655X; c.5042_5043delTG, p.Val1681fs). One in silico tool predicts a damaging outcome for this variant. The variant of interest has not been found in a large, broad control population, ExAC in 119240 control chromosomes. In addition, multiple clinical diagnostic laboratories/reputable databases classified this variant as pathogenic. Variant at the same location c.4936_4939delGAAA/p.Glu1646fsX23 has been reported in multiple affected individuals and has been classified as pathogenic by multiple clinical diagnostic laboratories/reputable databases, suggesting the location these variants reside is a mutation hotspot. Taken together, this variant is classified as pathogenic.

Sharing Clinical Reports Project (SCRP)
Classification: Pathogenic for Breast-ovarian cancer, familial 2. Last evaluated: 2012-10-09. Review status: no assertion criteria provided. Collection method: clinical testing. Allele origin: germline. Not counted in ClinVar's aggregate classification.

Literature cited by the submitters: PubMed 20104584 (cited by Labcorp Genetics (formerly Invitae), Labcorp and GeneKor MSA); PubMed 21520333 (cited by Labcorp Genetics (formerly Invitae), Labcorp and GeneKor MSA); PubMed 33563323 (cited by Quest Diagnostics Nichols Institute San Juan Capistrano).

NM_000059.4(BRCA2):c.4936_4937del (p.Glu1646fs)

Gene: BRCA2 (BRCA2 DNA repair associated; plus strand). Cytogenetic location: 13q13.1.
Variant type: Deletion.
Coding change: c.4936_4937del on transcript NM_000059.4 (MANE Select); coding-DNA positions 4936 to 4937, 2 bases deleted (GA; older notation c.4936_4937delGA).
Protein change: p.Glu1646fs; shifts the reading frame from glutamic acid 1646.
Molecular consequence: frameshift variant.
Genome position (GRCh38, 1-based): chr13:32,339,291-32,339,292, GA deleted; deleting any 2 consecutive bases within chr13:32,339,290-32,339,292 gives the same sequence; the c. name uses the placement nearest the transcript's 3' end. VCF-style (leftmost placement, unchanged base first): chr13-32339289-AAG-A. GRCh37 (hg19) VCF-style: chr13-32913426-AAG-A.
Other names: 5164delGA; c.4936_4937delGA (NM_000059.3).
Identifiers: ClinVar variation 96811 (VCV000096811.23), dbSNP rs431825323, ClinGen allele CA021033.